The following is an entry in ClinVar:

NM_003743.5(NCOA1):c.1617A>G (p.Thr539=)

Gene: NCOA1 (nuclear receptor coactivator 1; plus strand). Cytogenetic location: 2p23.3.
Variant type: single nucleotide variant.
Coding change: c.1617A>G on transcript NM_003743.5 (MANE Select); coding-DNA position 1617, A replaced by G.
Protein change: p.Thr539=; no amino-acid change (threonine 539 retained).
Molecular consequence: synonymous variant.
Genome position (GRCh38, 1-based): chr2:24,707,087, A>G. VCF-style: chr2-24707087-A-G. GRCh37 (hg19) VCF-style: chr2-24929956-A-G.
Other names: c.1617A>G, p.Thr539= (NM_001362950.1, NM_001362952.1, NM_001362954.1 and 3 more transcripts).
Identifiers: ClinVar variation 3046147 (VCV003046147.2), dbSNP rs751715010, ClinGen allele CA1552283.
Genomic context (GRCh38, chr2:24,707,087, plus strand): 5'-TGGCATGACAAGTAGTGCCTGTAATAATAATAACCGATCTTATTCAAACATCCCAGTAAC[A>G]TCTTTACAGGGTATGAATGAAGGACCCAATAACTCCGTTGGCTTCTCTGCCAGTTCTCCA-3'
Protein context (NP_003734.3, residues 529-549): NNRSYSNIPV[Thr539=]SLQGMNEGPN

ClinVar aggregate classification (germline): Likely benign (0 of 4 stars; one submission).

Conditions:
NCOA1-related disorder. Also called: NCOA1-related condition.

Allele frequency attached by ClinVar (database versions not stated): ExAC 0.00001; gnomAD exomes 0.00001; TOPMed 0.00002; gnomAD 0.00003.
gnomAD v4.1: 27 of 1,614,008 alleles (0.0017%); highest among the groups gnomAD compares: Non-Finnish European, 0.00017%; no homozygotes.

Submission:

PreventionGenetics, part of Exact Sciences
Classification: Likely benign for NCOA1-related condition. Last evaluated: 2019-11-18. Review status: no assertion criteria provided. Collection method: clinical testing. Allele origin: germline.
Comment: This variant is classified as likely benign based on ACMG/AMP sequence variant interpretation guidelines (Richards et al. 2015 PMID: 25741868, with internal and published modifications).